The following is an entry in ClinVar:

ClinVar aggregate classification (germline): Conflicting classifications of pathogenicity. Review status: criteria provided, conflicting classifications (1 of 4 stars). 6 submissions from 4 submitters: Uncertain significance (1); Benign (3); Likely benign (2). Last evaluated 2026-01-26.

Conditions:
Retinitis pigmentosa (RP). Identifiers: Orphanet 791, MedGen C0035334, MeSH D012174, MONDO:0019200, OMIM 268000. Inheritance: Autosomal dominant, autosomal recessive and X linked inheritance.
Newfoundland cone-rod dystrophy. Identifiers: MedGen C1843815, MONDO:0011839, OMIM 607476.
Pigmentary retinal dystrophy. Also called: Fundus albipunctatus. Identifiers: Orphanet 227796, Orphanet 52427, MedGen C0311338, MONDO:0007639, OMIM 136880, HP:0030642.
Retinal dystrophy. Also called: Inherited retinal dystrophy. Identifiers: Orphanet 71862, MedGen C0854723, MeSH D058499, MONDO:0019118, HP:0000556.

Allele frequency attached by ClinVar (database versions not stated): gnomAD 0.00038 and 0.00060; gnomAD exomes 0.00046 and 0.00099; TOPMed 0.00064; ExAC 0.00089; 1000 Genomes Project 30x 0.00234; 1000 Genomes Project 0.00260.
gnomAD v4.1: 760 of 1,609,980 alleles (0.047%); highest among the groups gnomAD compares: East Asian, 1.6%; 6 homozygotes.

Submissions (6):

Labcorp Genetics (formerly Invitae), Labcorp
Classification: Benign. Last evaluated: 2026-01-26. Review status: criteria provided, single submitter. Criteria: Invitae Variant Classification Sherloc (09022015). Collection method: clinical testing. Allele origin: germline.

Blueprint Genetics
Classification: Likely benign. Last evaluated: 2024-10-03. Review status: criteria provided, single submitter. Criteria: ACMG Guidelines, 2015. Collection method: clinical testing. Allele origin: germline.

Dept Of Ophthalmology, Nagoya University
Classification: Benign for Retinal dystrophy. Last evaluated: 2023-10-01. Review status: criteria provided, single submitter. Criteria: Submitter's publication. Collection method: research. Allele origin: germline. Affected: yes.

Illumina Laboratory Services, Illumina
Classification: Uncertain significance for Retinitis pigmentosa. Last evaluated: 2018-01-13. Review status: criteria provided, single submitter. Criteria: ICSL Variant Classification Criteria 13 December 2019. Collection method: clinical testing. Allele origin: germline.

Illumina Laboratory Services, Illumina
Classification: Likely benign for Pigmentary retinal dystrophy. Last evaluated: 2018-01-13. Review status: criteria provided, single submitter. Criteria: ICSL Variant Classification Criteria 13 December 2019. Collection method: clinical testing. Allele origin: germline.
Comment: This variant was observed in the ICSL laboratory as part of a predisposition screen in an ostensibly healthy population. It had not been previously curated by ICSL or reported in the Human Gene Mutation Database (HGMD: prior to June 1st, 2018), and was therefore a candidate for classification through an automated scoring system. Utilizing variant allele frequency, disease prevalence and penetrance estimates, and inheritance mode, an automated score was calculated to assess if this variant is too frequent to cause the disease. Based on the score and internal cut-off values, a variant classified as likely benign is not then subjected to further curation. The score for this variant resulted in a classification of likely benign for this disease.

Illumina Laboratory Services, Illumina
Classification: Benign for Newfoundland cone-rod dystrophy. Last evaluated: 2018-01-13. Review status: criteria provided, single submitter. Criteria: ICSL Variant Classification Criteria 13 December 2019. Collection method: clinical testing. Allele origin: germline.
Comment: This variant was observed in the ICSL laboratory as part of a predisposition screen in an ostensibly healthy population. It had not been previously curated by ICSL or reported in the Human Gene Mutation Database (HGMD: prior to June 1st, 2018), and was therefore a candidate for classification through an automated scoring system. Utilizing variant allele frequency, disease prevalence and penetrance estimates, and inheritance mode, an automated score was calculated to assess if this variant is too frequent to cause the disease. Based on the score and internal cut-off values, a variant classified as benign is not then subjected to further curation. The score for this variant resulted in a classification of benign for this disease.

NM_000326.5(RLBP1):c.191G>A (p.Arg64Gln)

Gene: RLBP1 (retinaldehyde binding protein 1; minus strand). Cytogenetic location: 15q26.1.
Variant type: single nucleotide variant.
Coding change: c.191G>A on transcript NM_000326.5 (MANE Select); coding-DNA position 191, G replaced by A.
Protein change: p.Arg64Gln; replaces arginine 64 with glutamine.
Molecular consequence: missense variant.
Genome position (GRCh38, 1-based): chr15:89,217,275, C>T on the plus strand (G>A on the coding strand, the complement: RLBP1 is on the minus strand). VCF-style: chr15-89217275-C-T. GRCh37 (hg19) VCF-style: chr15-89760506-C-T.
Other names: short protein forms R64Q.
Identifiers: ClinVar variation 317242 (VCV000317242.16), dbSNP rs201865787, ClinGen allele CA7722362.
Genomic context (GRCh38, chr15:89,217,275, plus strand): 5'-ACGGCCACCGCCAGCTCCTCCCCCGAGGCCGCCTGCGCCTGCACCATCTCCTGCAGCTCT[C>T]GCACTGCCTCCTCCCGGGTCTCCTCTCTCTCGTTCAGCTCATCCTTGGCCTAGAACAGGG-3'
Protein context (NP_000317.1, residues 54-74): EREETREEAV[Arg64Gln]ELQEMVQAQA